The following is an entry in ClinVar:

NM_021625.5(TRPV4):c.425C>T (p.Pro142Leu)

Gene: TRPV4 (transient receptor potential cation channel subfamily V member 4; minus strand). Cytogenetic location: 12q24.11.
Variant type: single nucleotide variant.
Coding change: c.425C>T on transcript NM_021625.5 (MANE Select); coding-DNA position 425, C replaced by T.
Protein change: p.Pro142Leu; replaces proline 142 with leucine.
Molecular consequence: missense variant.
Genome position (GRCh38, 1-based): chr12:109,808,430, G>A on the plus strand (C>T on the coding strand, the complement: TRPV4 is on the minus strand). VCF-style: chr12-109808430-G-A. GRCh37 (hg19) VCF-style: chr12-110246235-G-A.
Other names: c.425C>T, p.Pro142Leu (NM_001177428.2, NM_001177433.2, NM_147204.3); c.323C>T, p.Pro108Leu (NM_001177431.2); short protein forms P142L, P108L.
Identifiers: ClinVar variation 881731 (VCV000881731.10), dbSNP rs1193945019, ClinGen allele CA386657347.

ClinVar aggregate classification (germline): Uncertain significance. Review status: criteria provided, multiple submitters, no conflicts (2 of 4 stars). 10 submissions from 5 submitters: Uncertain significance (10). Last evaluated 2023-03-28.

Conditions:
Neuronopathy, distal hereditary motor, autosomal dominant 8. Also called: SPINAL MUSCULAR ATROPHY, CONGENITAL BENIGN, WITH CONTRACTURES; Autosomal dominant congenital benign spinal muscular atrophy; NEURONOPATHY, DISTAL HEREDITARY MOTOR, TYPE VIII; NEUROPATHY, DISTAL HEREDITARY MOTOR, TYPE VIII. Identifiers: Orphanet 1216, MedGen C1838492, MONDO:0010839, OMIM 600175.
Charcot-Marie-Tooth disease axonal type 2C (HMSN2C). Also called: CHARCOT-MARIE-TOOTH DISEASE, AXONAL, AUTOSOMAL DOMINANT, TYPE 2C; Charcot-Marie-Tooth Neuropathy Type 2C; Charcot-Marie-Tooth Disease Type 2, TRPV4-Related (CMT2C). Identifiers: Orphanet 99937, MedGen C1853710, MONDO:0011633, OMIM 606071.
Metatropic dysplasia (MTD). Also called: METATROPIC DWARFISM; Metatropic dysplasia, nonlethal dominant; Metatropic Dysplasia, TRPV4-Related. Identifiers: Orphanet 2635, MedGen C0265281, MONDO:0007986, OMIM 156530.
Spondylometaphyseal dysplasia, Kozlowski type (SMDK). Also called: Dysmorphism arthrogryposis skeletal maturation advanced; Jequier-Kozlowski syndrome; Skeletal dysplasia Jequier-Kozlowski type; SMD Kozlowski type; Spondylometaphyseal Dysplasia, TRPV4-Related (Kozlowski Type). Identifiers: Orphanet 93314, MedGen C0265280, MONDO:0008477, OMIM 184252.
Scapuloperoneal spinal muscular atrophy (SPSMA). Also called: AMYOTROPHY, NEUROGENIC SCAPULOPERONEAL, NEW ENGLAND TYPE; Scapuloperoneal Spinal Muscular Atrophy, TRPV4-Related; Scapuloperoneal spinal muscular atrophy, autosomal dominant; Scapuloperoneal Form of Spinal Muscular Atrophy. Identifiers: Orphanet 431255, MedGen C0751335, MONDO:0008408, OMIM 181405.
Brachyrachia (short spine dysplasia) (BCYM3). Also called: Brachyolmia, TRPV4-Related; Brachyolmia Type 3; Autosomal dominant brachyolmia; BRACHYRACHIA. Identifiers: Orphanet 93304, MedGen C0432227, MONDO:0007232, OMIM 113500.
Charcot-Marie-Tooth disease. Also called: Charcot-Marie-Tooth Hereditary Neuropathy; Charcot-Marie-Tooth Neuropathy. Identifiers: Orphanet 166, MedGen C0007959, MONDO:0015626.

Allele frequency attached by ClinVar (database versions not stated): gnomAD exomes below 0.00001 and 0.00001; gnomAD 0.00001; TOPMed 0.00001.
gnomAD v4.1: 18 of 1,613,946 alleles (0.0011%); highest among the groups gnomAD compares: Non-Finnish European, 0.0014%; no homozygotes.

Submissions (10):

GeneDx
Classification: Uncertain significance. Last evaluated: 2023-03-28. Review status: criteria provided, single submitter. Criteria: GeneDx Variant Classification Process June 2021. Collection method: clinical testing. Allele origin: germline. Affected: yes.
Comment: Observed in a patient with Charcot-Marie-Tooth disease in published literature (Volodarsky et al., 2021); Not observed at significant frequency in large population cohorts (gnomAD); In silico analysis supports that this missense variant does not alter protein structure/function; This variant is associated with the following publications: (PMID: 32376792)

Labcorp Genetics (formerly Invitae), Labcorp
Classification: Uncertain significance for Charcot-Marie-Tooth disease axonal type 2C. Last evaluated: 2022-12-02. Review status: criteria provided, single submitter. Criteria: Invitae Variant Classification Sherloc (09022015). Collection method: clinical testing. Allele origin: germline.
Comment: In summary, the available evidence is currently insufficient to determine the role of this variant in disease. Therefore, it has been classified as a Variant of Uncertain Significance. Advanced modeling of protein sequence and biophysical properties (such as structural, functional, and spatial information, amino acid conservation, physicochemical variation, residue mobility, and thermodynamic stability) has been performed at Invitae for this missense variant, however the output from this modeling did not meet the statistical confidence thresholds required to predict the impact of this variant on TRPV4 protein function. ClinVar contains an entry for this variant (Variation ID: 881731). This missense change has been observed in individual(s) with suspected Charcot-Marie-Tooth disease (PMID: 32376792). This variant is present in population databases (no rsID available, gnomAD 0.0009%). This sequence change replaces proline, which is neutral and non-polar, with leucine, which is neutral and non-polar, at codon 142 of the TRPV4 protein (p.Pro142Leu).

Blueprint Genetics
Classification: Uncertain significance. Last evaluated: 2021-09-29. Review status: criteria provided, single submitter. Criteria: ACMG Guidelines, 2015. Collection method: clinical testing. Allele origin: germline.

Illumina Laboratory Services, Illumina
Classification: Uncertain significance for Metatropic dysplasia. Last evaluated: 2018-01-12. Review status: criteria provided, single submitter. Criteria: ICSL Variant Classification Criteria 13 December 2019. Collection method: clinical testing. Allele origin: germline.

Illumina Laboratory Services, Illumina
Classification: Uncertain significance for Neuronopathy, distal hereditary motor, autosomal dominant 8. Last evaluated: 2018-01-12. Review status: criteria provided, single submitter. Criteria: ICSL Variant Classification Criteria 13 December 2019. Collection method: clinical testing. Allele origin: germline.

Illumina Laboratory Services, Illumina
Classification: Uncertain significance for Brachyrachia (short spine dysplasia). Last evaluated: 2018-01-12. Review status: criteria provided, single submitter. Criteria: ICSL Variant Classification Criteria 13 December 2019. Collection method: clinical testing. Allele origin: germline.

Illumina Laboratory Services, Illumina
Classification: Uncertain significance for Scapuloperoneal spinal muscular atrophy. Last evaluated: 2018-01-12. Review status: criteria provided, single submitter. Criteria: ICSL Variant Classification Criteria 13 December 2019. Collection method: clinical testing. Allele origin: germline.

Illumina Laboratory Services, Illumina
Classification: Uncertain significance for Charcot-Marie-Tooth disease axonal type 2C. Last evaluated: 2018-01-12. Review status: criteria provided, single submitter. Criteria: ICSL Variant Classification Criteria 13 December 2019. Collection method: clinical testing. Allele origin: germline.

Illumina Laboratory Services, Illumina
Classification: Uncertain significance for Spondylometaphyseal dysplasia, Kozlowski type. Last evaluated: 2018-01-12. Review status: criteria provided, single submitter. Criteria: ICSL Variant Classification Criteria 13 December 2019. Collection method: clinical testing. Allele origin: germline.

Molecular Genetics Laboratory, London Health Sciences Centre
Classification: Uncertain significance for Charcot-Marie-Tooth disease. Review status: criteria provided, single submitter. Criteria: ACMG Guidelines, 2015. Collection method: clinical testing. Allele origin: germline. Affected: yes.

Literature cited by the submitters: PubMed 32376792 (cited by Labcorp Genetics (formerly Invitae), Labcorp).